The following is an entry in ClinVar:

ClinVar aggregate classification (germline): Uncertain significance (1 of 4 stars; one submission).

Conditions:
Hereditary cancer-predisposing syndrome. Also called: Tumor predisposition; Hereditary Cancer Syndrome; Hereditary neoplastic syndrome; Neoplastic Syndromes, Hereditary. Identifiers: Orphanet 140162, MedGen C0027672, MeSH D009386, MONDO:0015356.

Submission:

Ambry Genetics
Classification: Uncertain significance for Hereditary cancer-predisposing syndrome. Last evaluated: 2024-04-24. Review status: criteria provided, single submitter. Criteria: Ambry Variant Classification Scheme 2023. Collection method: clinical testing. Allele origin: germline.
Comment: The p.L109V variant (also known as c.325C>G), located in coding exon 3 of the NF2 gene, results from a C to G substitution at nucleotide position 325. The leucine at codon 109 is replaced by valine, an amino acid with highly similar properties. This amino acid position is conserved. In addition, the in silico prediction for this alteration is inconclusive. Based on the available evidence, the clinical significance of this variant remains unclear.

NM_000268.4(NF2):c.325C>G (p.Leu109Val)

Gene: NF2 (NF2, moesin-ezrin-radixin like (MERLIN) tumor suppressor; plus strand). Cytogenetic location: 22q12.2.
Variant type: single nucleotide variant.
Coding change: c.325C>G on transcript NM_000268.4 (MANE Select); coding-DNA position 325, C replaced by G.
Protein change: p.Leu109Val; replaces leucine 109 with valine.
Molecular consequence: missense variant. On other transcripts: 5 prime UTR variant (1), intron variant (8).
Genome position (GRCh38, 1-based): chr22:29,639,174, C>G. VCF-style: chr22-29639174-C-G. GRCh37 (hg19) VCF-style: chr22-30035163-C-G.
Other names: c.211C>G, p.Leu71Val (NM_001407053.1, NM_001407056.1); c.199C>G, p.Leu67Val (NM_001407055.1, NM_181828.3); c.325C>G, p.Leu109Val (NM_001407057.1, NM_001407059.1, NM_001407060.1 and 5 more transcripts); c.-316C>G (NM_001407065.1); c.94C>G, p.Leu32Val (NM_001407067.1); c.240+2298C>G (NM_001407058.1, NM_181829.3, NM_001407054.1 and 1 more transcripts); c.115-3028C>G (NM_001407063.1, NM_181830.3, NM_001407064.1 and 1 more transcripts); short protein forms L67V, L71V, L109V, L32V.
Identifiers: ClinVar variation 3299423 (VCV003299423.1).